The following is an entry in ClinVar:

ClinVar aggregate classification (germline): Conflicting classifications of pathogenicity. Review status: criteria provided, conflicting classifications (1 of 4 stars). 4 submissions from 4 submitters: Uncertain significance (3); Likely benign (1). Last evaluated 2025-09-24.

Conditions:
FBXW4-related disorder. Also called: FBXW4-related condition.
Split hand-foot malformation 3. Also called: CHROMOSOME 10q24 DUPLICATION SYNDROME; SHSF3; Buttiens Fryns syndrome. Identifiers: Orphanet 1307, MedGen C1838652, MONDO:0009525, OMIM 246560.

Allele frequency attached by ClinVar (database versions not stated): ExAC 0.00006; gnomAD 0.00006; TOPMed 0.00007; gnomAD exomes 0.00008 and 0.00011.
gnomAD v4.1: 167 of 1,613,846 alleles (0.01%); highest among the groups gnomAD compares: Non-Finnish European, 0.013%; no homozygotes.

Submissions (4):

PreventionGenetics, part of Exact Sciences
Classification: Likely benign for FBXW4-related condition. Last evaluated: 2025-09-24. Review status: criteria provided, single submitter. Criteria: ACMG Guidelines, 2015. Collection method: clinical testing. Allele origin: germline.
Comment: This variant is classified as likely benign based on ACMG/AMP sequence variant interpretation guidelines (Richards et al. 2015 PMID: 25741868, with internal and published modifications).

Ambry Genetics
Classification: Uncertain significance. Last evaluated: 2023-06-23. Review status: criteria provided, single submitter. Criteria: Ambry Variant Classification Scheme 2023. Collection method: clinical testing. Allele origin: germline.

Labcorp Genetics (formerly Invitae), Labcorp
Classification: Uncertain significance. Last evaluated: 2022-07-09. Review status: criteria provided, single submitter. Criteria: Invitae Variant Classification Sherloc (09022015). Collection method: clinical testing. Allele origin: germline.
Comment: Algorithms developed to predict the effect of missense changes on protein structure and function are either unavailable or do not agree on the potential impact of this missense change (SIFT: "Deleterious"; PolyPhen-2: "Possibly Damaging"; Align-GVGD: "Class C0"). In summary, the available evidence is currently insufficient to determine the role of this variant in disease. Therefore, it has been classified as a Variant of Uncertain Significance. This sequence change replaces glutamic acid, which is acidic and polar, with lysine, which is basic and polar, at codon 334 of the FBXW4 protein (p.Glu334Lys). This variant is present in population databases (rs770518721, gnomAD 0.01%). This variant has not been reported in the literature in individuals affected with FBXW4-related conditions. ClinVar contains an entry for this variant (Variation ID: 298530).

Illumina Laboratory Services, Illumina
Classification: Uncertain significance for Split hand-foot malformation 3. Last evaluated: 2018-01-12. Review status: criteria provided, single submitter. Criteria: ICSL Variant Classification Criteria 13 December 2019. Collection method: clinical testing. Allele origin: germline.

NM_022039.4(FBXW4):c.1465G>A (p.Glu489Lys)

Gene: FBXW4 (F-box and WD repeat domain containing 4; minus strand). Cytogenetic location: 10q24.32.
Variant type: single nucleotide variant.
Coding change: c.1465G>A on transcript NM_022039.4 (MANE Select); coding-DNA position 1465, G replaced by A.
Protein change: p.Glu489Lys; replaces glutamic acid 489 with lysine.
Molecular consequence: missense variant. On other transcripts: non-coding transcript variant (1).
Genome position (GRCh38, 1-based): chr10:101,611,747, C>T on the plus strand (G>A on the coding strand, the complement: FBXW4 is on the minus strand). VCF-style: chr10-101611747-C-T. GRCh37 (hg19) VCF-style: chr10-103371504-C-T.
Other names: c.739G>A, p.Glu247Lys (NM_001323541.2); short protein forms E247K, E489K.
Identifiers: ClinVar variation 298530 (VCV000298530.12), dbSNP rs770518721, ClinGen allele CA5657231.